The following is an entry in ClinVar:

NM_002465.4(MYBPC1):c.-46C>T

Gene: MYBPC1 (myosin binding protein C1; plus strand). Cytogenetic location: 12q23.2.
Variant type: single nucleotide variant.
Coding change: c.-46C>T on transcript NM_002465.4 (MANE Select); 46 bases upstream of the start codon, C replaced by T.
Molecular consequence: 5 prime UTR variant.
Genome position (GRCh38, 1-based): chr12:101,595,025, C>T. VCF-style: chr12-101595025-C-T. GRCh37 (hg19) VCF-style: chr12-101988803-C-T.
Other names: c.-46C>T (NM_001254718.3, NM_001254719.3, NM_001254720.3 and 13 more transcripts).
Identifiers: ClinVar variation 306705 (VCV000306705.8), dbSNP rs148011345, ClinGen allele CA6744304.

ClinVar aggregate classification (germline): Benign/Likely benign. Review status: criteria provided, multiple submitters, no conflicts (2 of 4 stars). 2 submissions from 2 submitters: Benign (1); Likely benign (1). Last evaluated 2020-06-17.

Conditions:
Arthrogryposis, distal, type 1B. Identifiers: Orphanet 1146, MedGen C3280526, MONDO:0013698, OMIM 614335.

Allele frequency attached by ClinVar (database versions not stated): ExAC 0.00162; gnomAD 0.00440 and 0.00469; ESP Exome Variant Server 0.00584; TOPMed 0.00533; 1000 Genomes Project 30x 0.00718; 1000 Genomes Project 0.00739; gnomAD exomes 0.00130.
gnomAD v4.1: 1,349 of 1,600,272 alleles (0.084%); highest among the groups gnomAD compares: African/African-American, 1.6%; 14 homozygotes.

Submissions (2):

GeneDx
Classification: Likely benign. Last evaluated: 2020-06-17. Review status: criteria provided, single submitter. Criteria: GeneDx Variant Classification Process June 2021. Collection method: clinical testing. Allele origin: germline. Affected: yes.
Comment: See Variant Classification Assertion Criteria.

Illumina Laboratory Services, Illumina
Classification: Benign for Arthrogryposis, distal, type 1B. Last evaluated: 2018-01-13. Review status: criteria provided, single submitter. Criteria: ICSL Variant Classification Criteria 13 December 2019. Collection method: clinical testing. Allele origin: germline.
Comment: This variant was observed in the ICSL laboratory as part of a predisposition screen in an ostensibly healthy population. It had not been previously curated by ICSL or reported in the Human Gene Mutation Database (HGMD: prior to June 1st, 2018), and was therefore a candidate for classification through an automated scoring system. Utilizing variant allele frequency, disease prevalence and penetrance estimates, and inheritance mode, an automated score was calculated to assess if this variant is too frequent to cause the disease. Based on the score and internal cut-off values, a variant classified as benign is not then subjected to further curation. The score for this variant resulted in a classification of benign for this disease.